The following is an entry in ClinVar:

NM_000090.4(COL3A1):c.2588G>T (p.Arg863Leu)

Gene: COL3A1 (collagen type III alpha 1 chain; plus strand). Cytogenetic location: 2q32.2.
Variant type: single nucleotide variant.
Coding change: c.2588G>T on transcript NM_000090.4 (MANE Select); coding-DNA position 2588, G replaced by T.
Protein change: p.Arg863Leu; replaces arginine 863 with leucine.
Molecular consequence: missense variant.
Genome position (GRCh38, 1-based): chr2:189,003,445, G>T. VCF-style: chr2-189003445-G-T. GRCh37 (hg19) VCF-style: chr2-189868171-G-T.
Other names: short protein forms R863L.
Identifiers: ClinVar variation 3073734 (VCV003073734.1), dbSNP rs755762264, ClinGen allele CA349843493.

ClinVar aggregate classification (germline): Uncertain significance (1 of 4 stars; one submission).

Conditions:
Ehlers-Danlos syndrome, type 4 (EDSVASC). Also called: Ehlers-Danlos Syndrome Type IV; Ehlers-Danlos syndrome vascular type; Ehlers Danlos syndrome, ecchymotic type; Ehlers Danlos syndrome, arterial type; Ehlers Danlos syndrome, Sack-Barabas type. Identifiers: Orphanet 286, MedGen C0268338, MONDO:0017314, OMIM 130050.

gnomAD v4.1: 1 of 1,613,816 alleles (0.000062%); highest among the groups gnomAD compares: Admixed American, 0.0017%; no homozygotes.

Submission:

All of Us Research Program, National Institutes of Health
Classification: Uncertain significance for Ehlers-Danlos syndrome, type 4. Last evaluated: 2023-10-06. Review status: criteria provided, single submitter. Criteria: ACMG Guidelines, 2015. Collection method: clinical testing. Allele origin: germline. Inheritance: Autosomal dominant inheritance. Observed: 1 variant allele, 1 heterozygote.
Comment: This missense variant replaces arginine with leucine at codon 863 of the COL3A1 protein. Computational prediction suggests that this variant may have deleterious impact on protein structure and function (internally defined REVEL score threshold >= 0.7, PMID: 27666373). To our knowledge, functional studies have not been reported for this variant. This variant has not been reported in individuals affected with COL3A1-related disorders in the literature. This variant has been identified in 1/251324 chromosomes in the general population by the Genome Aggregation Database (gnomAD). The available evidence is insufficient to determine the role of this variant in disease conclusively. Therefore, this variant is classified as a Variant of Uncertain Significance.

This study involves interpretation of variants in research participants for the purpose of population health screening. Participant phenotype was not available at the time of variant classification. Additional details can be found in publication PMID: 35346344, PMCID: PMC8962531